The following is an entry in ClinVar:

ClinVar aggregate classification (germline): Pathogenic. Review status: criteria provided, multiple submitters, no conflicts (2 of 4 stars). 2 submissions from 2 submitters: Pathogenic (2). Last evaluated 2026-07-22.

Conditions:
Hereditary nonpolyposis colorectal neoplasms. Identifiers: MedGen C0009405, MeSH D003123.
Hereditary cancer-predisposing syndrome. Also called: Hereditary Cancer Syndrome; Tumor predisposition; Hereditary neoplastic syndrome; Neoplastic Syndromes, Hereditary. Identifiers: Orphanet 140162, MedGen C0027672, MeSH D009386, MONDO:0015356.

Submissions (2):

Ambry Genetics
Classification: Pathogenic for Hereditary cancer-predisposing syndrome. Last evaluated: 2026-07-22. Review status: criteria provided, single submitter. Criteria: Ambry Variant Classification Scheme 2023. Collection method: clinical testing. Allele origin: germline.
Comment: The c.698_713del16 pathogenic mutation, located in coding exon 4 of the MSH6 gene, results from a deletion of 16 nucleotides at nucleotide positions 698 to 713, causing a translational frameshift with a predicted alternate stop codon (p.P233Lfs*8). This variant is considered to be rare based on population cohorts in the Genome Aggregation Database (gnomAD). This alteration is expected to result in loss of function by premature protein truncation or nonsense-mediated mRNA decay. As such, this alteration is interpreted as a disease-causing mutation.

Labcorp Genetics (formerly Invitae), Labcorp
Classification: Pathogenic for Hereditary nonpolyposis colorectal neoplasms. Last evaluated: 2024-08-29. Review status: criteria provided, single submitter. Criteria: Invitae Variant Classification Sherloc (09022015). Collection method: clinical testing. Allele origin: germline.
Comment: This sequence change creates a premature translational stop signal (p.Pro233Leufs*8) in the MSH6 gene. It is expected to result in an absent or disrupted protein product. Loss-of-function variants in MSH6 are known to be pathogenic (PMID: 18269114, 24362816). This variant is not present in population databases (gnomAD no frequency). This variant has not been reported in the literature in individuals affected with MSH6-related conditions. ClinVar contains an entry for this variant (Variation ID: 566623). For these reasons, this variant has been classified as Pathogenic.

Literature cited by the submitters: PubMed 18269114 (cited by Labcorp Genetics (formerly Invitae), Labcorp); PubMed 24362816 (cited by Labcorp Genetics (formerly Invitae), Labcorp).

NM_000179.3(MSH6):c.698_713del (p.Pro233fs)

Gene: MSH6 (mutS homolog 6; plus strand). Cytogenetic location: 2p16.3.
Variant type: Deletion.
Coding change: c.698_713del on transcript NM_000179.3 (MANE Select); coding-DNA positions 698 to 713, 16 bases deleted (CTAAGACACAAGGATC).
Protein change: p.Pro233fs; shifts the reading frame from proline 233.
Molecular consequence: frameshift variant. On other transcripts: 5 prime UTR variant (2).
Genome position (GRCh38, 1-based): chr2:47,798,681-47,798,696, CTAAGACACAAGGATC deleted; deleting any 16 consecutive bases within chr2:47,798,680-47,798,696 gives the same sequence; the c. name uses the placement nearest the transcript's 3' end. VCF-style (leftmost placement, unchanged base first): chr2-47798679-GCCTAAGACACAAGGAT-G. GRCh37 (hg19) VCF-style: chr2-48025818-GCCTAAGACACAAGGAT-G.
Other names: c.698_713delCTAAGACACAAGGATC (NM_000179.2); c.308_323del, p.Pro103fs (NM_001281492.2); c.-209_-194del (NM_001281493.2, NM_001281494.2); c.698_713del16 (NM_000179.2); short protein forms P103fs, P233fs.
Identifiers: ClinVar variation 566623 (VCV000566623.8), dbSNP rs1558658971, ClinGen allele CA891842822.